The following is an entry in ClinVar:

ClinVar aggregate classification (germline): Uncertain significance (1 of 4 stars; one submission).

Conditions:
Adult-onset proximal spinal muscular atrophy, autosomal dominant. Also called: Spinal muscular atrophy, late-onset, finkel type; FINKEL LATE-ADULT TYPE SMA. Identifiers: Orphanet 209335, MedGen C1854058, MONDO:0008453, OMIM 182980.
Amyotrophic lateral sclerosis type 8 (ALS8). Identifiers: Orphanet 803, MedGen C1837728, MONDO:0012077, OMIM 608627.

Allele frequency attached by ClinVar (database versions not stated): gnomAD exomes 0.00001.
gnomAD v4.1: 9 of 1,613,952 alleles (0.00056%); highest among the groups gnomAD compares: Non-Finnish European, 0.00076%; no homozygotes.

Submission:

Labcorp Genetics (formerly Invitae), Labcorp
Classification: Uncertain significance for Adult-onset proximal spinal muscular atrophy, autosomal dominant; Amyotrophic lateral sclerosis type 8. Last evaluated: 2024-04-23. Review status: criteria provided, single submitter. Criteria: Invitae Variant Classification Sherloc (09022015). Collection method: clinical testing. Allele origin: germline.
Comment: This sequence change replaces alanine, which is neutral and non-polar, with valine, which is neutral and non-polar, at codon 145 of the VAPB protein (p.Ala145Val). This variant is not present in population databases (gnomAD no frequency). This missense change has been observed in individual(s) with amyotrophic lateral sclerosis (PMID: 23446633). ClinVar contains an entry for this variant (Variation ID: 2194950). Advanced modeling of protein sequence and biophysical properties (such as structural, functional, and spatial information, amino acid conservation, physicochemical variation, residue mobility, and thermodynamic stability) performed at Invitae indicates that this missense variant is not expected to disrupt VAPB protein function with a negative predictive value of 80%. Experimental studies have shown that this missense change affects VAPB function (PMID: 23446633). In summary, the available evidence is currently insufficient to determine the role of this variant in disease. Therefore, it has been classified as a Variant of Uncertain Significance.

Literature cited by the submitters: PubMed 23446633.

NM_004738.5(VAPB):c.434C>T (p.Ala145Val)

Gene: VAPB (VAMP associated protein B and C; plus strand). Cytogenetic location: 20q13.32.
Variant type: single nucleotide variant.
Coding change: c.434C>T on transcript NM_004738.5 (MANE Select); coding-DNA position 434, C replaced by T.
Protein change: p.Ala145Val; replaces alanine 145 with valine.
Molecular consequence: missense variant. On other transcripts: non-coding transcript variant (1), intron variant (1).
Genome position (GRCh38, 1-based): chr20:58,440,944, C>T. VCF-style: chr20-58440944-C-T. GRCh37 (hg19) VCF-style: chr20-57016000-C-T.
Other names: c.212-3133C>T (NM_001195677.2); short protein forms A145V.
Identifiers: ClinVar variation 2194950 (VCV002194950.4), dbSNP rs925000894, ClinGen allele CA316275865.
Genomic context (GRCh38, chr20:58,440,944, plus strand): 5'-GGCTTTCATTTGTTTTTGAACAGCATGATGTAGAAATAAATAAAATTATATCCACAACTG[C>T]ATCAAAGACAGAAACACCAATAGTGTCTAAGTCTCTGAGTTCTTCTTTGGATGACACCGA-3'
Protein context (NP_004729.1, residues 135-155): VEINKIISTT[Ala145Val]SKTETPIVSK